The following is an entry in ClinVar:

ClinVar aggregate classification (germline): Uncertain significance. Review status: criteria provided, multiple submitters, no conflicts (2 of 4 stars). 3 submissions from 3 submitters: Uncertain significance (3). Last evaluated 2026-01-08.

Conditions:
Hereditary cancer-predisposing syndrome. Also called: Neoplastic Syndromes, Hereditary; Hereditary neoplastic syndrome; Tumor predisposition; Hereditary Cancer Syndrome. Identifiers: Orphanet 140162, MedGen C0027672, MeSH D009386, MONDO:0015356.

gnomAD v4.1: 1 of 1,614,080 alleles (0.000062%); highest among the groups gnomAD compares: Admixed American, 0.0017%; no homozygotes.

Submissions (3):

Ambry Genetics
Classification: Uncertain significance for Hereditary cancer-predisposing syndrome. Last evaluated: 2026-01-08. Review status: criteria provided, single submitter. Criteria: Ambry Variant Classification Scheme 2023. Collection method: clinical testing. Allele origin: germline.
Comment: The p.G395R variant (also known as c.1183G>A), located in coding exon 12 of the POLE gene, results from a G to A substitution at nucleotide position 1183. The glycine at codon 395 is replaced by arginine, an amino acid with dissimilar properties. This amino acid position is highly conserved in available vertebrate species. In addition, the in silico prediction for this alteration is inconclusive. Based on the available evidence, the clinical significance of this variant remains unclear.

GeneDx
Classification: Uncertain significance. Last evaluated: 2025-08-13. Review status: criteria provided, single submitter. Criteria: GeneDx Variant Classification Process June 2021. Collection method: clinical testing. Allele origin: germline. Affected: yes.
Comment: Not observed at significant frequency in large population cohorts (gnomAD); In silico analysis supports that this missense variant has a deleterious effect on protein structure/function; Has not been previously published as pathogenic or benign to our knowledge; This variant is associated with the following publications: (PMID: 20951805)

Labcorp Genetics (formerly Invitae), Labcorp
Classification: Uncertain significance. Last evaluated: 2023-11-30. Review status: criteria provided, single submitter. Criteria: Invitae Variant Classification Sherloc (09022015). Collection method: clinical testing. Allele origin: germline.
Comment: This sequence change replaces glycine, which is neutral and non-polar, with arginine, which is basic and polar, at codon 395 of the POLE protein (p.Gly395Arg). This variant is not present in population databases (gnomAD no frequency). This variant has not been reported in the literature in individuals affected with POLE-related conditions. ClinVar contains an entry for this variant (Variation ID: 656541). Advanced modeling of protein sequence and biophysical properties (such as structural, functional, and spatial information, amino acid conservation, physicochemical variation, residue mobility, and thermodynamic stability) performed at Invitae indicates that this missense variant is not expected to disrupt POLE protein function with a negative predictive value of 80%. In summary, the available evidence is currently insufficient to determine the role of this variant in disease. Therefore, it has been classified as a Variant of Uncertain Significance.

NM_006231.4(POLE):c.1183G>A (p.Gly395Arg)

Gene: POLE (DNA polymerase epsilon, catalytic subunit; minus strand). Cytogenetic location: 12q24.33.
Variant type: single nucleotide variant.
Coding change: c.1183G>A on transcript NM_006231.4 (MANE Select); coding-DNA position 1183, G replaced by A.
Protein change: p.Gly395Arg; replaces glycine 395 with arginine.
Molecular consequence: missense variant.
Genome position (GRCh38, 1-based): chr12:132,675,441, C>T on the plus strand (G>A on the coding strand, the complement: POLE is on the minus strand). VCF-style: chr12-132675441-C-T. GRCh37 (hg19) VCF-style: chr12-133252027-C-T.
Other names: short protein forms G395R.
Identifiers: ClinVar variation 656541 (VCV000656541.15), dbSNP rs1475049831, ClinGen allele CA387360840.
Genomic context (GRCh38, chr12:132,675,441, plus strand): 5'-TGCTCTGTGGCCCCTACCTGAGGCAGTCCATGTGGATGCACTGGGGCGCCTTGTACTCCC[C>T]CTGGCTGTCCTTCTGGAAGCCTATCTCCTGCTGCATGCTCAGACCGTGGACTGCTGCCCG-3'
Protein context (NP_006222.2, residues 385-405): QEIGFQKDSQ[Gly395Arg]EYKAPQCIHM